The following is an entry in ClinVar:

ClinVar aggregate classification (germline): Conflicting classifications of pathogenicity. Review status: criteria provided, conflicting classifications (1 of 4 stars). 7 submissions from 7 submitters: Uncertain significance (6); Likely benign (1). Last evaluated 2024-12-23.

Conditions:
Congenital multicore myopathy with external ophthalmoplegia (CMYO1B). Also called: MULTICORE MYOPATHY; Congenital myopathy 1B, autosomal recessive; Minicore myopathy; MULTIMINICORE DISEASE WITH EXTERNAL OPHTHALMOPLEGIA; Minicore myopathy with external ophthalmoplegia. Identifiers: Orphanet 598, Orphanet 98905, MedGen C1850674, MONDO:0009712, OMIM 255320, HP:0003789.
Congenital myopathy with fiber type disproportion. Also called: Congenital fiber-type disproportion myopathy; Congenital fiber-type disproportion. Identifiers: Orphanet 2020, MedGen C0546264, MONDO:0009711. Inheritance: all.
Malignant hyperthermia, susceptibility to, 1 (MHS1). Also called: RYR1-Related Malignant Hyperthermia Susceptibility; Malignant hyperthermia suceptibility 1; Anesthesia related hyperthermia; Malignant hyperpyrexia; Fulminating hyperpyrexia; Pharmacogenic myopathy. Identifiers: Orphanet 423, MedGen C2930980, MONDO:0007783, OMIM 145600.
Central core myopathy (CMYO1A). Also called: CONGENITAL MYOPATHY 1A, AUTOSOMAL DOMINANT, WITH SUSCEPTIBILITY TO MALIGNANT HYPERTHERMIA; Central core disease; Myopathy, central fibrillar. Identifiers: Orphanet 597, MedGen C5830701, MONDO:0007294, OMIM 117000.
King Denborough syndrome (KDS). Identifiers: MedGen C1840365, MONDO:0020485, OMIM 619542.
RYR1-related disorder. Also called: RYR1-related disorders; RYR1-related condition. Identifiers: MedGen CN239331.
Inborn genetic diseases. Identifiers: MedGen C0950123, MeSH D030342.

Allele frequency attached by ClinVar (database versions not stated): gnomAD 0.00002 and 0.00003; TOPMed 0.00003; gnomAD exomes 0.00008 and 0.00017; ExAC 0.00009; 1000 Genomes Project 30x 0.00016.
gnomAD v4.1: 121 of 1,503,636 alleles (0.008%); highest among the groups gnomAD compares: Middle Eastern, 0.023%; no homozygotes.

Submissions (7):

Labcorp Genetics (formerly Invitae), Labcorp
Classification: Uncertain significance for RYR1-related disorder. Last evaluated: 2024-12-23. Review status: criteria provided, single submitter. Criteria: Invitae Variant Classification Sherloc (09022015). Collection method: clinical testing. Allele origin: germline.
Comment: This sequence change replaces glutamic acid, which is acidic and polar, with lysine, which is basic and polar, at codon 4394 of the RYR1 protein (p.Glu4394Lys). This variant is present in population databases (rs748844266, gnomAD 0.05%). This missense change has been observed in individual(s) with myopathy (PMID: 32236737). ClinVar contains an entry for this variant (Variation ID: 590424). Invitae Evidence Modeling of protein sequence and biophysical properties (such as structural, functional, and spatial information, amino acid conservation, physicochemical variation, residue mobility, and thermodynamic stability) indicates that this missense variant is not expected to disrupt RYR1 protein function with a negative predictive value of 95%. In summary, the available evidence is currently insufficient to determine the role of this variant in disease. Therefore, it has been classified as a Variant of Uncertain Significance.

Women's Health and Genetics/Laboratory Corporation of America, LabCorp
Classification: Uncertain significance. Last evaluated: 2024-06-12. Review status: criteria provided, single submitter. Criteria: LabCorp Variant Classification Summary - May 2015. Collection method: clinical testing. Allele origin: germline.
Comment: Variant summary: RYR1 c.13180G>A (p.Glu4394Lys) results in a conservative amino acid change located in the Ryanodine Receptor TM 4-6 domain (IPR009460) of the encoded protein sequence. Five of five in-silico tools predict a benign effect of the variant on protein function. The variant allele was found at a frequency of 0.00017 in 100790 control chromosomes (gnomAD). This frequency is not significantly higher than estimated for a pathogenic variant in RYR1 causing Myopathy, RYR1-Associated, allowing no conclusion about variant significance. To our knowledge, no occurrence of c.13180G>A in individuals affected with Myopathy, RYR1-Associated and no experimental evidence demonstrating its impact on protein function have been reported. ClinVar contains an entry for this variant (Variation ID: 590424). Based on the evidence outlined above, the variant was classified as uncertain significance.

CeGaT Center for Human Genetics Tuebingen
Classification: Likely benign. Last evaluated: 2023-11-01. Review status: criteria provided, single submitter. Criteria: CeGaT Center For Human Genetics Tuebingen Variant Classification Criteria Version 2. Collection method: clinical testing. Allele origin: germline. Affected: yes. Observed: 1 variant allele.
Comment: RYR1: PP3, BS2

Revvity Omics, Revvity
Classification: Uncertain significance. Last evaluated: 2023-10-26. Review status: criteria provided, single submitter. Criteria: ACMG Guidelines, 2015. Collection method: clinical testing. Allele origin: germline.

Ambry Genetics
Classification: Uncertain significance for Inborn genetic diseases. Last evaluated: 2022-02-02. Review status: criteria provided, single submitter. Criteria: Ambry Variant Classification Scheme 2023. Collection method: clinical testing. Allele origin: germline.

Fulgent Genetics
Classification: Uncertain significance for Central core myopathy; Malignant hyperthermia, susceptibility to, 1; Congenital myopathy 4A, autosomal dominant; Congenital multicore myopathy with external ophthalmoplegia; King Denborough syndrome. Last evaluated: 2021-07-26. Review status: criteria provided, single submitter. Criteria: ACMG Guidelines, 2015. Collection method: clinical testing. Allele origin: unknown.

PreventionGenetics, part of Exact Sciences
Classification: Uncertain significance. Last evaluated: 2013-10-29. Review status: criteria provided, single submitter. Criteria: ACMG Guidelines, 2015. Collection method: clinical testing. Allele origin: germline.

Literature cited by the submitters: PubMed 32236737 (cited by Labcorp Genetics (formerly Invitae), Labcorp).

NM_000540.3(RYR1):c.13180G>A (p.Glu4394Lys)

Gene: RYR1 (ryanodine receptor 1; plus strand). Cytogenetic location: 19q13.2.
Variant type: single nucleotide variant.
Coding change: c.13180G>A on transcript NM_000540.3 (MANE Select); coding-DNA position 13180, G replaced by A.
Protein change: p.Glu4394Lys; replaces glutamic acid 4394 with lysine.
Molecular consequence: missense variant.
Genome position (GRCh38, 1-based): chr19:38,565,514, G>A. VCF-style: chr19-38565514-G-A. GRCh37 (hg19) VCF-style: chr19-39056154-G-A.
Other names: c.13165G>A, p.Glu4389Lys (NM_001042723.2); short protein forms E4394K, E4389K.
Identifiers: ClinVar variation 590424 (VCV000590424.35), dbSNP rs748844266, ClinGen allele CA059617.